The following is an entry in ClinVar:

ClinVar aggregate classification (germline): Uncertain significance (1 of 4 stars; one submission).

Conditions:
Pontocerebellar hypoplasia type 7. Identifiers: Orphanet 284339, MedGen C3554226, MONDO:0013993, OMIM 614969.

Submission:

Egypt Genome Project
Classification: Uncertain significance for Pontocerebellar hypoplasia type 7. Last evaluated: 2026-02-01. Review status: criteria provided, single submitter. Criteria: ACMG Guidelines, 2015. Collection method: research. Allele origin: germline. Affected: yes.
Comment: The NM_025077.3 c.274G>T is classified as Variant of uncertain significance based on the AMCG/AMP criteria (PM1, PM2, PM3-supporting, BP4)

NM_025077.4(TOE1):c.274G>T (p.Ala92Ser)

Gene: TOE1 (target of EGR1, exonuclease; plus strand). Cytogenetic location: 1p34.1.
Variant type: single nucleotide variant.
Coding change: c.274G>T on transcript NM_025077.4 (MANE Select); coding-DNA position 274, G replaced by T.
Protein change: p.Ala92Ser; replaces alanine 92 with serine.
Molecular consequence: missense variant.
Genome position (GRCh38, 1-based): chr1:45,341,510, G>T. VCF-style: chr1-45341510-G-T. GRCh37 (hg19) VCF-style: chr1-45807182-G-T.
Other names: short protein forms A92S.
Identifiers: ClinVar variation 4849870 (VCV004849870.1).
Genomic context (GRCh38, chr1:45,341,510, plus strand): 5'-CAACCCCCATACCCAACCCCAAGGTGCATTGAGGAACGTTACAAGGCCGTGTGTCATGCT[G>T]CCAGGACCCGTTCTATCCTTTCCCTGGGCCTCGCCTGCTTCAAGCGGCAGCCAGACAAGG-3'
Protein context (NP_079353.3, residues 82-102): EERYKAVCHA[Ala92Ser]RTRSILSLGL